The following is an entry in ClinVar:

ClinVar aggregate classification (germline): Likely benign (1 of 4 stars; one submission).

Conditions:
FDXR-related disorder. Also called: FDXR-related condition; FDXR-related disorders.

Submission:

PreventionGenetics, part of Exact Sciences
Classification: Likely benign for FDXR-related condition. Last evaluated: 2026-05-22. Review status: criteria provided, single submitter. Criteria: ACMG Guidelines, 2015. Collection method: clinical testing. Allele origin: germline.
Comment: This variant is classified as likely benign based on ACMG/AMP sequence variant interpretation guidelines (Richards et al. 2015 PMID: 25741868, with internal and published modifications).

NM_024417.5(FDXR):c.1174+8G>C

Gene: FDXR (ferredoxin reductase; minus strand). Cytogenetic location: 17q25.1.
Variant type: single nucleotide variant.
Coding change: c.1174+8G>C on transcript NM_024417.5 (MANE Select); 8 bases into the intron after coding-DNA position 1174, G replaced by C.
Molecular consequence: intron variant.
Genome position (GRCh38, 1-based): chr17:74,863,888, C>G on the plus strand (G>C on the coding strand, the complement: FDXR is on the minus strand). VCF-style: chr17-74863888-C-G. GRCh37 (hg19) VCF-style: chr17-72860010-C-G.
Other names: c.1150+8G>C (NM_001258014.4); c.1192+8G>C (NM_004110.6); c.1054+8G>C (NM_001258015.3); c.1303+8G>C (NM_001258012.4); c.1267+8G>C (NM_001258013.4); c.1018+8G>C (NM_001258016.3).
Identifiers: ClinVar variation 4983364 (VCV004983364.1).